The following is an entry in ClinVar:

ClinVar aggregate classification (germline): Uncertain significance. Review status: criteria provided, multiple submitters, no conflicts (2 of 4 stars). 3 submissions from 3 submitters: Uncertain significance (3). Last evaluated 2025-02-18.

Conditions:
Hereditary breast ovarian cancer syndrome. Also called: BRCA1- and BRCA2-Associated Hereditary Breast and Ovarian Cancer; Hereditary breast and/or ovarian cancer syndrome; Hereditary breast and ovarian cancer syndrome; Hereditary breast and ovarian cancer; Hereditary breast and ovarian cancer syndrome (HBOC); Breast and ovarian cancer. Identifiers: Orphanet 145, MedGen C0677776, MeSH D061325, MONDO:0003582. Disease mechanism: loss of function.
Hereditary cancer-predisposing syndrome. Also called: Hereditary neoplastic syndrome; Neoplastic Syndromes, Hereditary; Tumor predisposition; Hereditary Cancer Syndrome. Identifiers: Orphanet 140162, MedGen C0027672, MeSH D009386, MONDO:0015356.

Submissions (3):

Ambry Genetics
Classification: Uncertain significance for Hereditary cancer-predisposing syndrome. Last evaluated: 2025-02-18. Review status: criteria provided, single submitter. Criteria: Ambry Variant Classification Scheme 2023. Collection method: clinical testing. Allele origin: germline.
Comment: The p.P59R variant (also known as c.176C>G), located in coding exon 2 of the BRCA2 gene, results from a C to G substitution at nucleotide position 176. The proline at codon 59 is replaced by arginine, an amino acid with dissimilar properties. This amino acid position is not well conserved in available vertebrate species. In addition, this alteration is predicted to be tolerated by in silico analysis. Since supporting evidence is limited at this time, the clinical significance of this alteration remains unclear.

Labcorp Genetics (formerly Invitae), Labcorp
Classification: Uncertain significance for Hereditary breast ovarian cancer syndrome. Last evaluated: 2018-12-28. Review status: criteria provided, single submitter. Criteria: Invitae Variant Classification Sherloc (09022015). Collection method: clinical testing. Allele origin: germline.
Comment: Algorithms developed to predict the effect of missense changes on protein structure and function are either unavailable or do not agree on the potential impact of this missense change (SIFT: "Tolerated"; PolyPhen-2: "Probably Damaging"; Align-GVGD: "Class C0"). In summary, the available evidence is currently insufficient to determine the role of this variant in disease. Therefore, it has been classified as a Variant of Uncertain Significance. This variant has not been reported in the literature in individuals with BRCA2-related conditions. ClinVar contains an entry for this variant (Variation ID: 421855). This variant is not present in population databases (ExAC no frequency). This sequence change replaces proline with arginine at codon 59 of the BRCA2 protein (p.Pro59Arg). The proline residue is moderately conserved and there is a moderate physicochemical difference between proline and arginine.

GeneDx
Classification: Uncertain significance. Last evaluated: 2016-08-01. Review status: criteria provided, single submitter. Criteria: GeneDx Variant Classification (06012015). Collection method: clinical testing. Allele origin: germline. Affected: yes.
Comment: This variant is denoted BRCA2 c.176C>G at the cDNA level, p.Pro59Arg (P59R) at the protein level, and results in the change of a Proline to an Arginine (CCA>CGA). Using alternate nomenclature, this variant would be defined as BRCA2 404C>G. This variant has not, to our knowledge, been published in the literature as pathogenic or benign. BRCA2 Pro59Arg was not observed in approximately 6,500 individuals of European and African American ancestry in the NHLBI Exome Sequencing Project, suggesting it is not a common benign variant in these populations. Since Proline and Arginine differ in polarity, charge, size or other properties, this is considered a non-conservative amino acid substitution. BRCA2 Pro59Arg occurs at a position that is not conserved and is not located in a known functional domain. In silico analyses are inconsistent regarding the effect this variant may have on protein structure and function. Based on currently available evidence, it is unclear whether BRCA2 Pro59Arg is a pathogenic or benign variant. We consider it to be a variant of uncertain significance.

NM_000059.4(BRCA2):c.176C>G (p.Pro59Arg)

Gene: BRCA2 (BRCA2 DNA repair associated; plus strand). Cytogenetic location: 13q13.1.
Variant type: single nucleotide variant.
Coding change: c.176C>G on transcript NM_000059.4 (MANE Select); coding-DNA position 176, C replaced by G.
Protein change: p.Pro59Arg; replaces proline 59 with arginine.
Molecular consequence: missense variant.
Genome position (GRCh38, 1-based): chr13:32,319,185, C>G. VCF-style: chr13-32319185-C-G. GRCh37 (hg19) VCF-style: chr13-32893322-C-G.
Other names: short protein forms P59R.
Identifiers: ClinVar variation 421855 (VCV000421855.14), dbSNP rs1064795404, ClinGen allele CA16619638.